The following is an entry in ClinVar:

ClinVar aggregate classification (germline): Conflicting classifications of pathogenicity. Review status: criteria provided, conflicting classifications (1 of 4 stars). 5 submissions from 5 submitters: Uncertain significance (3); Likely benign (2). Last evaluated 2025-10-01.

Conditions:
Renal dysplasia, cystic, susceptibility to. Identifiers: MedGen C3275898, MONDO:0011037, OMIM 601331.

Allele frequency attached by ClinVar (database versions not stated): gnomAD 0.00006; TOPMed 0.00007; ExAC 0.00013; 1000 Genomes Project 30x 0.00016; 1000 Genomes Project 0.00020; ESP Exome Variant Server 0.00023.
gnomAD v4.1: 185 of 1,614,050 alleles (0.011%); highest among the groups gnomAD compares: Admixed American, 0.033%; no homozygotes.

Submissions (5):

CeGaT Center for Human Genetics Tuebingen
Classification: Likely benign. Last evaluated: 2025-10-01. Review status: criteria provided, single submitter. Criteria: CeGaT Center For Human Genetics Tuebingen Variant Classification Criteria Version 2. Collection method: clinical testing. Allele origin: germline. Affected: yes. Observed: 1 variant allele.
Comment: BICC1: BP4

Labcorp Genetics (formerly Invitae), Labcorp
Classification: Uncertain significance. Last evaluated: 2024-10-03. Review status: criteria provided, single submitter. Criteria: Invitae Variant Classification Sherloc (09022015). Collection method: clinical testing. Allele origin: germline.
Comment: This sequence change replaces asparagine, which is neutral and polar, with histidine, which is basic and polar, at codon 236 of the BICC1 protein (p.Asn236His). This variant is present in population databases (rs147466451, gnomAD 0.03%). This variant has not been reported in the literature in individuals affected with BICC1-related conditions. ClinVar contains an entry for this variant (Variation ID: 2510105). An algorithm developed to predict the effect of missense changes on protein structure and function (PolyPhen-2) suggests that this variant is likely to be disruptive. In summary, the available evidence is currently insufficient to determine the role of this variant in disease. Therefore, it has been classified as a Variant of Uncertain Significance.

Fulgent Genetics
Classification: Likely benign for Renal dysplasia, cystic, susceptibility to. Last evaluated: 2024-03-07. Review status: criteria provided, single submitter. Criteria: ACMG Guidelines, 2015. Collection method: clinical testing. Allele origin: germline.

Ambry Genetics
Classification: Uncertain significance. Last evaluated: 2023-04-26. Review status: criteria provided, single submitter. Criteria: Ambry Variant Classification Scheme 2023. Collection method: clinical testing. Allele origin: germline.

Revvity Omics, Revvity
Classification: Uncertain significance. Last evaluated: 2021-12-08. Review status: criteria provided, single submitter. Criteria: ACMG Guidelines, 2015. Collection method: clinical testing. Allele origin: germline.

NM_001080512.3(BICC1):c.706A>C (p.Asn236His)

Gene: BICC1 (BicC family RNA binding protein 1; plus strand). Cytogenetic location: 10q21.1.
Variant type: single nucleotide variant.
Coding change: c.706A>C on transcript NM_001080512.3 (MANE Select); coding-DNA position 706, A replaced by C.
Protein change: p.Asn236His; replaces asparagine 236 with histidine.
Molecular consequence: missense variant.
Genome position (GRCh38, 1-based): chr10:58,789,367, A>C. VCF-style: chr10-58789367-A-C. GRCh37 (hg19) VCF-style: chr10-60549127-A-C.
Other names: short protein forms N236H.
Identifiers: ClinVar variation 2510105 (VCV002510105.12), dbSNP rs147466451, ClinGen allele CA5508309.